The following is an entry in ClinVar:

ClinVar aggregate classification (germline): Uncertain significance. Review status: criteria provided, multiple submitters, no conflicts (2 of 4 stars). 2 submissions from 2 submitters: Uncertain significance (2). Last evaluated 2024-09-24.

Conditions:
Left ventricular noncompaction 8 (LVNC8). Identifiers: Orphanet 154, Orphanet 54260, MedGen C3809288, MONDO:0014152, OMIM 615373.

Allele frequency attached by ClinVar (database versions not stated): gnomAD exomes 0.00001 and 0.00003; TOPMed 0.00002; ExAC 0.00003; gnomAD 0.00003 and 0.00004.
gnomAD v4.1: 19 of 1,613,850 alleles (0.0012%); highest among the groups gnomAD compares: Admixed American, 0.0083%; no homozygotes.

Submissions (2):

GeneDx
Classification: Uncertain significance. Last evaluated: 2024-09-24. Review status: criteria provided, single submitter. Criteria: GeneDx Variant Classification Process June 2021. Collection method: clinical testing. Allele origin: germline. Affected: yes.
Comment: Has not been previously published as pathogenic or benign to our knowledge; In silico analysis indicates that this missense variant does not alter protein structure/function

Labcorp Genetics (formerly Invitae), Labcorp
Classification: Uncertain significance for Left ventricular noncompaction 8. Last evaluated: 2024-09-01. Review status: criteria provided, single submitter. Criteria: Invitae Variant Classification Sherloc (09022015). Collection method: clinical testing. Allele origin: germline.
Comment: This sequence change replaces alanine, which is neutral and non-polar, with valine, which is neutral and non-polar, at codon 1096 of the PRDM16 protein (p.Ala1096Val). This variant is present in population databases (rs753755785, gnomAD 0.01%). This variant has not been reported in the literature in individuals affected with PRDM16-related conditions. ClinVar contains an entry for this variant (Variation ID: 856535). An algorithm developed to predict the effect of missense changes on protein structure and function (PolyPhen-2) suggests that this variant is likely to be tolerated. In summary, the available evidence is currently insufficient to determine the role of this variant in disease. Therefore, it has been classified as a Variant of Uncertain Significance.

NM_022114.4(PRDM16):c.3287C>T (p.Ala1096Val)

Gene: PRDM16 (PR/SET domain 16; plus strand). Cytogenetic location: 1p36.32.
Variant type: single nucleotide variant.
Coding change: c.3287C>T on transcript NM_022114.4 (MANE Select); coding-DNA position 3287, C replaced by T.
Protein change: p.Ala1096Val; replaces alanine 1096 with valine.
Molecular consequence: missense variant.
Genome position (GRCh38, 1-based): chr1:3,430,874, C>T. VCF-style: chr1-3430874-C-T. GRCh37 (hg19) VCF-style: chr1-3347438-C-T.
Other names: c.3287C>T, p.Ala1096Val (NM_199454.3); short protein forms A1096V.
Identifiers: ClinVar variation 856535 (VCV000856535.10), dbSNP rs753755785, ClinGen allele CA544821.